The following is an entry in ClinVar:

ClinVar aggregate classification (germline): Uncertain significance (1 of 4 stars; one submission).

Conditions:
Combined immunodeficiency due to LRBA deficiency. Also called: Common variable immunodeficiency 8, with autoimmunity. Identifiers: Orphanet 445018, MedGen C3553512, MONDO:0013863, OMIM 614700.

Allele frequency attached by ClinVar (database versions not stated): ExAC 0.00001; gnomAD exomes 0.00001; TOPMed 0.00001.

Submission:

Labcorp Genetics (formerly Invitae), Labcorp
Classification: Uncertain significance for Combined immunodeficiency due to LRBA deficiency. Last evaluated: 2022-08-15. Review status: criteria provided, single submitter. Criteria: Invitae Variant Classification Sherloc (09022015). Collection method: clinical testing. Allele origin: germline.
Comment: This sequence change replaces asparagine, which is neutral and polar, with aspartic acid, which is acidic and polar, at codon 1687 of the LRBA protein (p.Asn1687Asp). This variant is present in population databases (rs758850419, gnomAD 0.03%). This variant has not been reported in the literature in individuals affected with LRBA-related conditions. Algorithms developed to predict the effect of missense changes on protein structure and function (SIFT, PolyPhen-2, Align-GVGD) all suggest that this variant is likely to be tolerated. In summary, the available evidence is currently insufficient to determine the role of this variant in disease. Therefore, it has been classified as a Variant of Uncertain Significance.

NM_001364905.1(LRBA):c.5059A>G (p.Asn1687Asp)

Gene: LRBA (LPS responsive beige-like anchor protein; minus strand). Cytogenetic location: 4q31.3.
Variant type: single nucleotide variant.
Coding change: c.5059A>G on transcript NM_001364905.1 (MANE Select); coding-DNA position 5059, A replaced by G.
Protein change: p.Asn1687Asp; replaces asparagine 1687 with aspartic acid.
Molecular consequence: missense variant.
Genome position (GRCh38, 1-based): chr4:150,828,292, T>C on the plus strand (A>G on the coding strand, the complement: LRBA is on the minus strand). VCF-style: chr4-150828292-T-C. GRCh37 (hg19) VCF-style: chr4-151749444-T-C.
Other names: c.5059A>G, p.Asn1687Asp (NM_001199282.3, NM_001367550.1, NM_006726.5); short protein forms N1687D.
Identifiers: ClinVar variation 2202184 (VCV002202184.1), dbSNP rs758850419, ClinGen allele CA3102591.